The following is an entry in ClinVar:

ClinVar aggregate classification (germline): Likely benign. Review status: criteria provided, multiple submitters, no conflicts (2 of 4 stars). 3 submissions from 3 submitters: Likely benign (3). Last evaluated 2025-07-16.

Conditions:
Cardiovascular phenotype. Identifiers: MedGen CN230736.
Long QT syndrome (LQTS). Identifiers: MedGen C0023976, MeSH D008133, MONDO:0002442. Disease mechanism: loss of function. Inheritance: Various modes of inheritance.

Allele frequency attached by ClinVar (database versions not stated): gnomAD 0.00003; TOPMed 0.00003.
gnomAD v4.1: 9 of 1,611,980 alleles (0.00056%); highest among the groups gnomAD compares: African/African-American, 0.0094%; no homozygotes.

Submissions (3):

Labcorp Genetics (formerly Invitae), Labcorp
Classification: Likely benign for Long QT syndrome. Last evaluated: 2025-07-16. Review status: criteria provided, single submitter. Criteria: Invitae Variant Classification Sherloc (09022015). Collection method: clinical testing. Allele origin: germline.

Ambry Genetics
Classification: Likely benign for Cardiovascular phenotype. Last evaluated: 2023-12-22. Review status: criteria provided, single submitter. Criteria: Ambry Variant Classification Scheme 2023. Collection method: clinical testing. Allele origin: germline.

GeneDx
Classification: Likely benign. Last evaluated: 2017-05-18. Review status: criteria provided, single submitter. Criteria: GeneDx Variant Classification (06012015). Collection method: clinical testing. Allele origin: germline. Affected: yes.
Comment: This variant is considered likely benign or benign based on one or more of the following criteria: it is a conservative change, it occurs at a poorly conserved position in the protein, it is predicted to be benign by multiple in silico algorithms, and/or has population frequency not consistent with disease.

NM_000218.3(KCNQ1):c.1383T>C (p.Tyr461=)

Gene: KCNQ1 (potassium voltage-gated channel subfamily Q member 1; plus strand). Cytogenetic location: 11p15.5.
Variant type: single nucleotide variant.
Coding change: c.1383T>C on transcript NM_000218.3 (MANE Select); coding-DNA position 1383, T replaced by C.
Protein change: p.Tyr461=; no amino-acid change (tyrosine 461 retained).
Molecular consequence: synonymous variant.
Genome position (GRCh38, 1-based): chr11:2,588,844, T>C. VCF-style: chr11-2588844-T-C. GRCh37 (hg19) VCF-style: chr11-2610074-T-C.
Other names: c.1287T>C, p.Tyr429= (NM_001406836.1); c.1113T>C, p.Tyr371= (NM_001406837.1); c.843T>C, p.Tyr281= (NM_001406838.1); c.1002T>C, p.Tyr334= (NM_181798.2).
Identifiers: ClinVar variation 379041 (VCV000379041.11), dbSNP rs794728527, ClinGen allele CA16605893.